The following is an entry in ClinVar:

ClinVar aggregate classification (germline): Uncertain significance (1 of 4 stars; one submission).

gnomAD v4.1: 2 of 1,613,352 alleles (0.00012%); highest among the groups gnomAD compares: Admixed American, 0.0017%; no homozygotes.

Submission:

GeneDx
Classification: Uncertain significance. Last evaluated: 2024-03-07. Review status: criteria provided, single submitter. Criteria: GeneDx Variant Classification Process June 2021. Collection method: clinical testing. Allele origin: germline. Affected: yes.
Comment: Not observed at significant frequency in large population cohorts (gnomAD); In silico analysis supports that this missense variant does not alter protein structure/function; Has not been previously published as pathogenic or benign to our knowledge

NM_014991.6(WDFY3):c.2866G>A (p.Asp956Asn)

Genes: WDFY3 (WD repeat and FYVE domain containing 3; minus strand), WDFY3-AS1 (WDFY3 antisense RNA 1; plus strand). Cytogenetic location: 4q21.23.
Variant type: single nucleotide variant.
Coding change: c.2866G>A on transcript NM_014991.6 (MANE Select); coding-DNA position 2866, G replaced by A.
Protein change: p.Asp956Asn; replaces aspartic acid 956 with asparagine.
Molecular consequence: missense variant.
Genome position (GRCh38, 1-based): chr4:84,798,065, C>T on the plus strand (G>A on the coding strand, the complement: WDFY3 is on the minus strand). VCF-style: chr4-84798065-C-T. GRCh37 (hg19) VCF-style: chr4-85719218-C-T.
Other names: short protein forms D956N.
Identifiers: ClinVar variation 3361151 (VCV003361151.1).